The following is an entry in ClinVar:

ClinVar aggregate classification (germline): Conflicting classifications of pathogenicity. Review status: criteria provided, conflicting classifications (1 of 4 stars). 12 submissions from 10 submitters: Uncertain significance (6); Likely benign (5). 1 of the submissions does not count toward it. Last evaluated 2026-01-27.

Conditions:
MYO7A-related disorder. Also called: MYO7A-related disorders.
Autosomal dominant nonsyndromic hearing loss 11. Identifiers: Orphanet 90635, MedGen C1832475, MONDO:0011032, OMIM 601317.
Usher syndrome type 1 (USH1). Also called: RETINITIS PIGMENTOSA AND CONGENITAL DEAFNESS. Identifiers: Orphanet 231169, Orphanet 886, MedGen C1568247, MONDO:0010168, OMIM 276900.
Autosomal recessive nonsyndromic hearing loss 2. Also called: NEUROSENSORY NONSYNDROMIC RECESSIVE DEAFNESS 2; DEAFNESS, AUTOSOMAL RECESSIVE 2. Identifiers: Orphanet 90636, MedGen C1838701, MONDO:0010807, OMIM 600060.

Allele frequency attached by ClinVar (database versions not stated): 1000 Genomes Project 0.00060; 1000 Genomes Project 30x 0.00062; TOPMed 0.00087; gnomAD 0.00094 and 0.00098; gnomAD exomes 0.00095 and 0.00164; ExAC 0.00113; ESP Exome Variant Server 0.00123.

Submissions (12):

Labcorp Genetics (formerly Invitae), Labcorp
Classification: Likely benign. Last evaluated: 2026-01-27. Review status: criteria provided, single submitter. Criteria: Invitae Variant Classification Sherloc (09022015). Collection method: clinical testing. Allele origin: germline.

CeGaT Center for Human Genetics Tuebingen
Classification: Likely benign. Last evaluated: 2025-09-01. Review status: criteria provided, single submitter. Criteria: CeGaT Center For Human Genetics Tuebingen Variant Classification Criteria Version 2. Collection method: clinical testing. Allele origin: germline. Affected: yes. Observed: 4 variant alleles.
Comment: MYO7A: BS2

Women's Health and Genetics/Laboratory Corporation of America, LabCorp
Classification: Uncertain significance. Last evaluated: 2025-01-13. Review status: criteria provided, single submitter. Criteria: LabCorp Variant Classification Summary - May 2015. Collection method: clinical testing. Allele origin: germline.
Comment: Variant summary: MYO7A c.803A>G (p.Lys268Arg) results in a conservative amino acid change located in the Myosin Large ATPases domain (IPR001609) of the encoded protein sequence. Four of five in-silico tools predict a benign effect of the variant on protein function. The variant allele was found at a frequency of 0.00095 in 245618 control chromosomes, predominantly at a frequency of 0.0018 within the Non-Finnish European subpopulation in the gnomAD database. This frequency is not significantly higher than estimated for a pathogenic variant in MYO7A causing Usher Syndrome (0.00095 vs 0.0061), allowing no conclusion about variant significance. c.803A>G has been reported in the literature in individuals affected with hearing loss (Dieiro_2020, Bonnet_2011). These report(s) do not provide unequivocal conclusions about association of the variant with Usher Syndrome. To our knowledge, no experimental evidence demonstrating an impact on protein function has been reported. The following publications have been ascertained in the context of this evaluation (PMID: 21569298, 32483926). ClinVar contains an entry for this variant (Variation ID: 178477). Based on the evidence outlined above, the variant was classified as uncertain significance.

Blueprint Genetics
Classification: Likely benign. Last evaluated: 2024-11-15. Review status: criteria provided, single submitter. Criteria: ACMG Guidelines, 2015. Collection method: clinical testing. Allele origin: germline.

Department of Pathology and Laboratory Medicine, Sinai Health System
Classification: Uncertain significance for Usher syndrome type 1; Autosomal recessive nonsyndromic hearing loss 2; Autosomal dominant nonsyndromic hearing loss 11. Last evaluated: 2023-05-03. Review status: criteria provided, single submitter. Criteria: ACMG Guidelines, 2015. Collection method: research. Allele origin: germline.

GeneDx
Classification: Uncertain significance. Last evaluated: 2020-10-28. Review status: criteria provided, single submitter. Criteria: GeneDx Variant Classification Process June 2021. Collection method: clinical testing. Allele origin: germline. Affected: yes.
Comment: Reported in published literature in an individual with Usher syndrome who was also heterozygous for a pathogenic variant in the USH2A gene, but was not present in an affected sibling (Bonnet et al., 2011); In silico analysis supports that this missense variant does not alter protein structure/function; This variant is associated with the following publications: (PMID: 30245029, 21569298, 25262649)

Illumina Laboratory Services, Illumina
Classification: Likely benign for Autosomal dominant nonsyndromic hearing loss 11. Last evaluated: 2017-04-27. Review status: criteria provided, single submitter. Criteria: ICSL Variant Classification Criteria 13 December 2019. Collection method: clinical testing. Allele origin: germline.
Comment: This variant was observed as part of a predisposition screen in an ostensibly healthy population. A literature search was performed for the gene, cDNA change, and amino acid change (where applicable). No publications were found based on this search. Allele frequency data from public databases allowed determination this variant is unlikely to cause disease. Therefore, this variant is classified as likely benign.

Illumina Laboratory Services, Illumina
Classification: Uncertain significance for Autosomal recessive nonsyndromic hearing loss 2. Last evaluated: 2017-04-27. Review status: criteria provided, single submitter. Criteria: ICSL Variant Classification Criteria 13 December 2019. Collection method: clinical testing. Allele origin: germline.
Comment: This variant was observed as part of a predisposition screen in an ostensibly healthy population. A literature search was performed for the gene, cDNA change, and amino acid change (where applicable). Publications were found based on this search. However, the evidence from the literature, in combination with allele frequency data from public databases where available, was not sufficient to rule this variant in or out of causing disease. Therefore, this variant is classified as a variant of unknown significance.

Illumina Laboratory Services, Illumina
Classification: Uncertain significance for Usher syndrome type 1. Last evaluated: 2017-04-27. Review status: criteria provided, single submitter. Criteria: ICSL Variant Classification Criteria 13 December 2019. Collection method: clinical testing. Allele origin: germline.
Comment: the same text as in the submission from Illumina Laboratory Services, Illumina above.

Laboratory for Molecular Medicine, Mass General Brigham Personalized Medicine
Classification: Likely benign. Last evaluated: 2015-05-17. Review status: criteria provided, single submitter. Criteria: LMM Criteria. Collection method: clinical testing. Allele origin: germline. Observed: 3 variant alleles.
Comment: p.Lys268Arg in exon 8 of MYO7A: This variant was reported in one individual with Usher syndrome type 2 but did not segregate in an affected sibling (Bonnet 2011 ). In addition, this variant was identified in 0.2% (100/53924) of European chro mosomes by the Exome Aggregation Consortium (ExAC, g; dbSNP rs184866544). Furthermore, the lysine (Lys) residue at this position is not conserved in mammals and evolutionary distant species with two mammals, hor se and dolphin, having an arginine (Arg) at this position. In summary, this vari ant is not expected to have clinical significance based on lack of segregation w ith disease, the frequency of the variant in the general population, and conserv ation data.

Eurofins Ntd Llc (ga)
Classification: Uncertain significance. Last evaluated: 2014-11-07. Review status: criteria provided, single submitter. Criteria: EGL Classification Definitions 2015. Collection method: clinical testing. Allele origin: germline. Observed: 1 variant allele, 1 heterozygote.

PreventionGenetics, part of Exact Sciences
Classification: Likely benign for MYO7A-related condition. Last evaluated: 2021-08-19. Review status: no assertion criteria provided. Collection method: clinical testing. Allele origin: germline. Not counted in ClinVar's aggregate classification.
Comment: This variant is classified as likely benign based on ACMG/AMP sequence variant interpretation guidelines (Richards et al. 2015 PMID: 25741868, with internal and published modifications).

Literature cited by the submitters: PubMed 21569298 (cited by 4 submitters); PubMed 32483926 (cited by Women's Health and Genetics/Laboratory Corporation of America, LabCorp); PubMed 25262649 (cited by Illumina Laboratory Services, Illumina).

NM_000260.4(MYO7A):c.803A>G (p.Lys268Arg)

Gene: MYO7A (myosin VIIA; plus strand). Cytogenetic location: 11q13.5.
Variant type: single nucleotide variant.
Coding change: c.803A>G on transcript NM_000260.4 (MANE Select); coding-DNA position 803, A replaced by G.
Protein change: p.Lys268Arg; replaces lysine 268 with arginine.
Molecular consequence: missense variant.
Genome position (GRCh38, 1-based): chr11:77,157,346, A>G. VCF-style: chr11-77157346-A-G. GRCh37 (hg19) VCF-style: chr11-76868392-A-G.
Other names: c.803A>G, p.Lys268Arg (NM_001127180.2); c.770A>G, p.Lys257Arg (NM_001369365.1); short protein forms K268R, K257R.
Identifiers: ClinVar variation 178477 (VCV000178477.67), dbSNP rs184866544, ClinGen allele CA182406.
Genomic context (GRCh38, chr11:77,157,346, plus strand): 5'-ATGAAAGGAACTACCACGTGTTCTACTGCATGCTGGAGGGTATGAGTGAGGATCAGAAGA[A>G]GAAGCTGGGCTTGGGCCAGGCCTCTGACTACAACTACTTGGCCATGGTGAGGCCCAGGTG-3'
Protein context (NP_000251.3, residues 258-278): MLEGMSEDQK[Lys268Arg]KLGLGQASDY